The following is an entry in ClinVar:

ClinVar aggregate classification (germline): Uncertain significance. Review status: criteria provided, multiple submitters, no conflicts (2 of 4 stars). 2 submissions from 2 submitters: Uncertain significance (2). Last evaluated 2023-08-29.

Conditions:
Ataxia-telangiectasia-like disorder (ATLD). Identifiers: MedGen C1858391, MONDO:0011457.
Hereditary cancer-predisposing syndrome. Also called: Neoplastic Syndromes, Hereditary; Tumor predisposition; Hereditary neoplastic syndrome; Hereditary Cancer Syndrome. Identifiers: Orphanet 140162, MedGen C0027672, MeSH D009386, MONDO:0015356.

Allele frequency attached by ClinVar (database versions not stated): gnomAD below 0.00001 and 0.00001; TOPMed below 0.00001; gnomAD exomes 0.00001.
gnomAD v4.1: 18 of 1,613,226 alleles (0.0011%); highest among the groups gnomAD compares: South Asian, 0.018%; no homozygotes.

Submissions (2):

Ambry Genetics
Classification: Uncertain significance for Hereditary cancer-predisposing syndrome. Last evaluated: 2023-08-29. Review status: criteria provided, single submitter. Criteria: Ambry Variant Classification Scheme 2023. Collection method: clinical testing. Allele origin: germline.
Comment: The p.Q170R variant (also known as c.509A>G), located in coding exon 5 of the MRE11A gene, results from an A to G substitution at nucleotide position 509. The glutamine at codon 170 is replaced by arginine, an amino acid with highly similar properties. This amino acid position is not well conserved in available vertebrate species. In addition, this alteration is predicted to be tolerated by in silico analysis. Since supporting evidence is limited at this time, the clinical significance of this alteration remains unclear.

Labcorp Genetics (formerly Invitae), Labcorp
Classification: Uncertain significance for Ataxia-telangiectasia-like disorder. Last evaluated: 2022-04-11. Review status: criteria provided, single submitter. Criteria: Invitae Variant Classification Sherloc (09022015). Collection method: clinical testing. Allele origin: germline.
Comment: This sequence change replaces glutamine, which is neutral and polar, with arginine, which is basic and polar, at codon 170 of the MRE11 protein (p.Gln170Arg). This variant is present in population databases (no rsID available, gnomAD 0.01%). This variant has not been reported in the literature in individuals affected with MRE11-related conditions. ClinVar contains an entry for this variant (Variation ID: 825436). Algorithms developed to predict the effect of missense changes on protein structure and function output the following: SIFT: "Tolerated"; PolyPhen-2: "Benign"; Align-GVGD: "Class C0". The arginine amino acid residue is found in multiple mammalian species, which suggests that this missense change does not adversely affect protein function. In summary, the available evidence is currently insufficient to determine the role of this variant in disease. Therefore, it has been classified as a Variant of Uncertain Significance.

NM_005591.4(MRE11):c.509A>G (p.Gln170Arg)

Gene: MRE11 (MRE11 double strand break repair nuclease; minus strand). Cytogenetic location: 11q21.
Variant type: single nucleotide variant.
Coding change: c.509A>G on transcript NM_005591.4 (MANE Select); coding-DNA position 509, A replaced by G.
Protein change: p.Gln170Arg; replaces glutamine 170 with arginine.
Molecular consequence: missense variant.
Genome position (GRCh38, 1-based): chr11:94,478,770, T>C on the plus strand (A>G on the coding strand, the complement: MRE11 is on the minus strand). VCF-style: chr11-94478770-T-C. GRCh37 (hg19) VCF-style: chr11-94211936-T-C.
Other names: c.509A>G, p.Gln170Arg (NM_001330347.2, NM_005590.4); short protein forms Q170R.
Identifiers: ClinVar variation 825436 (VCV000825436.6), dbSNP rs1300387008, ClinGen allele CA382377361.